The following is an entry in ClinVar:

NM_000093.5(COL5A1):c.1115C>G (p.Ala372Gly)

Gene: COL5A1 (collagen type V alpha 1 chain; plus strand). Cytogenetic location: 9q34.3.
Variant type: single nucleotide variant.
Coding change: c.1115C>G on transcript NM_000093.5 (MANE Select); coding-DNA position 1115, C replaced by G.
Protein change: p.Ala372Gly; replaces alanine 372 with glycine.
Molecular consequence: missense variant.
Genome position (GRCh38, 1-based): chr9:134,730,426, C>G. VCF-style: chr9-134730426-C-G. GRCh37 (hg19) VCF-style: chr9-137622272-C-G.
Other names: c.1115C>G, p.Ala372Gly (NM_001278074.1); short protein forms A372G.
Identifiers: ClinVar variation 2749494 (VCV002749494.3), dbSNP rs201829822, ClinGen allele CA375450048.

ClinVar aggregate classification (germline): Uncertain significance (1 of 4 stars; one submission).

Conditions:
Ehlers-Danlos syndrome, classic type, 1 (EDSCL1). Also called: EHLERS-DANLOS SYNDROME, GRAVIS TYPE; EHLERS-DANLOS SYNDROME, SEVERE CLASSIC TYPE; Ehlers-Danlos syndrome, type 1; Ehlers-Danlos Syndrome, Classic Type, COL5A1-Related; EDS I. Identifiers: MedGen C0268335, MONDO:0019567, OMIM 130000.

Submission:

Labcorp Genetics (formerly Invitae), Labcorp
Classification: Uncertain significance for Ehlers-Danlos syndrome, classic type, 1. Last evaluated: 2023-08-02. Review status: criteria provided, single submitter. Criteria: Invitae Variant Classification Sherloc (09022015). Collection method: clinical testing. Allele origin: germline.
Comment: In summary, the available evidence is currently insufficient to determine the role of this variant in disease. Therefore, it has been classified as a Variant of Uncertain Significance. Advanced modeling of protein sequence and biophysical properties (such as structural, functional, and spatial information, amino acid conservation, physicochemical variation, residue mobility, and thermodynamic stability) performed at Invitae indicates that this missense variant is not expected to disrupt COL5A1 protein function. This variant has not been reported in the literature in individuals affected with COL5A1-related conditions. This variant is not present in population databases (gnomAD no frequency). This sequence change replaces alanine, which is neutral and non-polar, with glycine, which is neutral and non-polar, at codon 372 of the COL5A1 protein (p.Ala372Gly).